The following is an entry in ClinVar:

ClinVar aggregate classification (germline): Uncertain significance (1 of 4 stars; one submission).

Conditions:
RASopathy. Also called: rasopathies; Noonan spectrum disorder. Identifiers: Orphanet 536391, MedGen C5555857, MONDO:0021060.

Allele frequency attached by ClinVar (database versions not stated): gnomAD exomes below 0.00001.

Submission:

Labcorp Genetics (formerly Invitae), Labcorp
Classification: Uncertain significance for RASopathy. Last evaluated: 2021-06-04. Review status: criteria provided, single submitter. Criteria: Invitae Variant Classification Sherloc (09022015). Collection method: clinical testing. Allele origin: germline.
Comment: In summary, the available evidence is currently insufficient to determine the role of this variant in disease. Therefore, it has been classified as a Variant of Uncertain Significance. Advanced modeling of protein sequence and biophysical properties (such as structural, functional, and spatial information, amino acid conservation, physicochemical variation, residue mobility, and thermodynamic stability) performed at Invitae indicates that this missense variant is expected to disrupt RAF1 protein function. This variant has not been reported in the literature in individuals with RAF1-related conditions. This variant is not present in population databases (ExAC no frequency). This sequence change replaces phenylalanine with serine at codon 146 of the RAF1 protein (p.Phe146Ser). The phenylalanine residue is highly conserved and there is a large physicochemical difference between phenylalanine and serine.

NM_002880.4(RAF1):c.437T>C (p.Phe146Ser)

Gene: RAF1 (Raf-1 proto-oncogene, serine/threonine kinase; minus strand). Cytogenetic location: 3p25.2.
Variant type: single nucleotide variant.
Coding change: c.437T>C on transcript NM_002880.4 (MANE Select); coding-DNA position 437, T replaced by C.
Protein change: p.Phe146Ser; replaces phenylalanine 146 with serine.
Molecular consequence: missense variant. On other transcripts: non-coding transcript variant (3).
Genome position (GRCh38, 1-based): chr3:12,608,910, A>G on the plus strand (T>C on the coding strand, the complement: RAF1 is on the minus strand). VCF-style: chr3-12608910-A-G. GRCh37 (hg19) VCF-style: chr3-12650409-A-G.
Other names: c.437T>C, p.Phe146Ser (NM_001354689.3, NM_001354690.3, NM_001354693.3); c.194T>C, p.Phe65Ser (NM_001354691.3, NM_001354692.3, NM_001354694.3 and 1 more transcripts); short protein forms F146S, F65S.
Identifiers: ClinVar variation 1426659 (VCV001426659.8), dbSNP rs2125417098, ClinGen allele CA351517739.